The following is an entry in ClinVar:

NM_182894.3(VSX2):c.71dup (p.Ala25fs)

Gene: VSX2 (visual system homeobox 2; plus strand). Cytogenetic location: 14q24.3.
Variant type: Duplication.
Coding change: c.71dup on transcript NM_182894.3 (MANE Select); coding-DNA position 71, one base duplicated (G; older notation c.71dupG).
Protein change: p.Ala25fs; shifts the reading frame from alanine 25.
Molecular consequence: frameshift variant.
Genome position (GRCh38, 1-based): chr14:74,239,632, G duplicated; the last of 6 consecutive G bases (chr14:74,239,627-74,239,632); duplicating any one gives the same sequence. VCF-style (leftmost placement, unchanged base first): chr14-74239626-C-CG. GRCh37 (hg19) VCF-style: chr14-74706329-C-CG.
Other names: short protein forms A25fs.
Identifiers: ClinVar variation 221962 (VCV000221962.5), dbSNP rs869025268, ClinGen allele CA351607.

ClinVar aggregate classification (germline): Pathogenic. Review status: criteria provided, multiple submitters, no conflicts (2 of 4 stars). 3 submissions from 3 submitters: Pathogenic (3). Last evaluated 2024-05-14.

Conditions:
Isolated microphthalmia 2. Identifiers: Orphanet 2542, MedGen C1864720, MONDO:0012409, OMIM 610093.
Microphthalmia, isolated, with coloboma 3 (MCOPCB3). Also called: MICROPHTHALMIA/COLOBOMA 3; MICROPHTHALMIA, COLOBOMATOUS, 3. Identifiers: Orphanet 98938, MedGen C1864721, MONDO:0012408, OMIM 610092.
Anophthalmia-microphthalmia syndrome. Also called: Anophthalmia/Microphthalmia; Anophthalmia - microphthalmia. Identifiers: Orphanet 98555, MedGen C5680330, MONDO:0020147.

Submissions (3):

Myriad Genetics, Inc.
Classification: Pathogenic for Microphthalmia, isolated, with coloboma 3. Last evaluated: 2024-05-14. Review status: criteria provided, single submitter. Criteria: Myriad Autosomal Dominant, Autosomal Recessive and X-Linked Classification Criteria (2023). Collection method: clinical testing. Allele origin: unknown.
Comment: NM_182894.2(VSX2):c.71dupG(A25Rfs*102) is expected to be pathogenic in the context of microphthalmia, anophthalmia, and coloboma, VSX2-related. This variant is predicted to lead to an abnormal or absent protein product due to the creation of a premature termination codon in VSX2, a gene where loss-of-function variants are known to be pathogenic. Please note: this variant was assessed in the context of healthy population screening.

Labcorp Genetics (formerly Invitae), Labcorp
Classification: Pathogenic for Isolated microphthalmia 2. Last evaluated: 2023-07-31. Review status: criteria provided, single submitter. Criteria: Invitae Variant Classification Sherloc (09022015). Collection method: clinical testing. Allele origin: germline.
Comment: This variant is not present in population databases (gnomAD no frequency). This sequence change creates a premature translational stop signal (p.Ala25Argfs*102) in the VSX2 gene. It is expected to result in an absent or disrupted protein product. Loss-of-function variants in VSX2 are known to be pathogenic (PMID: 20414678). This premature translational stop signal has been observed in individual(s) with VSX2-related conditions (PMID: 24033328). For these reasons, this variant has been classified as Pathogenic. ClinVar contains an entry for this variant (Variation ID: 221962).

Paul Sabatier University EA-4555, Paul Sabatier University
Classification: Pathogenic. Last evaluated: 2013-01-01. Review status: criteria provided, single submitter. Criteria: Chassaing et al. (Genome Res. 2016). Collection method: clinical testing. Allele origin: inherited. Inheritance: Autosomal recessive inheritance. Affected: yes. Observed: 1 compound heterozygote.

Literature cited by the submitters: PubMed 20414678 (cited by Labcorp Genetics (formerly Invitae), Labcorp); PubMed 24033328 (cited by Labcorp Genetics (formerly Invitae), Labcorp).